The following is an entry in ClinVar:

NM_007194.4(CHEK2):c.320-1G>T

Gene: CHEK2 (checkpoint kinase 2; minus strand). Cytogenetic location: 22q12.1.
Variant type: single nucleotide variant.
Coding change: c.320-1G>T on transcript NM_007194.4 (MANE Select); the canonical splice acceptor site of the intron before coding-DNA position 320, G replaced by T.
Molecular consequence: splice acceptor variant.
Genome position (GRCh38, 1-based): chr22:28,725,368, C>A on the plus strand (G>T on the coding strand, the complement: CHEK2 is on the minus strand). VCF-style: chr22-28725368-C-A. GRCh37 (hg19) VCF-style: chr22-29121356-C-A.
Other names: c.-344-1G>T (NM_001437942.1); c.320-1G>T (NM_001349956.3, NM_145862.3); c.-458-1G>T (NM_001257387.3); c.413-1G>T (NM_001438295.1, NM_001438293.1); c.449-1G>T (NM_001438294.1, NM_001005735.3).
Identifiers: ClinVar variation 631377 (VCV000631377.17), dbSNP rs864622613, ClinGen allele CA411108305.

ClinVar aggregate classification (germline): Pathogenic/Likely pathogenic. Review status: criteria provided, multiple submitters, no conflicts (2 of 4 stars). 8 submissions from 8 submitters: Pathogenic (1); Likely pathogenic (6). 1 of the submissions does not count toward it. Last evaluated 2025-03-07.

Conditions:
Hereditary cancer-predisposing syndrome. Also called: Tumor predisposition; Neoplastic Syndromes, Hereditary; Hereditary neoplastic syndrome; Hereditary Cancer Syndrome. Identifiers: Orphanet 140162, MedGen C0027672, MeSH D009386, MONDO:0015356.
Hereditary breast ovarian cancer syndrome. Also called: Hereditary breast and ovarian cancer; Hereditary breast and ovarian cancer syndrome (HBOC); Breast and ovarian cancer; Hereditary breast and ovarian cancer syndrome; BRCA1- and BRCA2-Associated Hereditary Breast and Ovarian Cancer; Hereditary breast and/or ovarian cancer syndrome. Identifiers: Orphanet 145, MedGen C0677776, MeSH D061325, MONDO:0003582. Disease mechanism: loss of function.
Malignant tumor of breast. Also called: Malignant breast neoplasm; Cancer breast. Identifiers: MedGen C0006142, MONDO:0007254. Disease mechanism: loss of function.
Familial cancer of breast. Also called: hereditary breast carcinoma; BREAST CANCER, FAMILIAL; Hereditary breast cancer. Identifiers: Orphanet 227535, MedGen C0346153, MONDO:0016419, OMIM 114480. Disease mechanism: loss of function.

Submissions (8):

Ambry Genetics
Classification: Likely pathogenic for Hereditary cancer-predisposing syndrome. Last evaluated: 2025-03-07. Review status: criteria provided, single submitter. Criteria: Ambry Variant Classification Scheme 2023. Collection method: clinical testing. Allele origin: germline.
Comment: The c.320-1G>T intronic variant results from a G to T substitution one nucleotide upstream from coding exon 2 of the CHEK2 gene. A. This variant was observed in 1/3251 individuals who met eligibility criteria for hereditary breast and ovarian cancer syndrome (Lerner-Ellis J et al. J Cancer Res Clin Oncol. 2021 Mar;147(3):871-879). This variant was also identified in at least one individual in a cohort of patients undergoing multigene panel testing for hereditary cancer (Sutcliffe EG et al. Cancer Genet. 2020 Aug;246-247:12-17). This nucleotide position is highly conserved in available vertebrate species. In silico splice site analysis predicts that this alteration will weaken the native splice acceptor site. RNA studies have demonstrated that this alteration results in abnormal splicing in the set of samples tested (Ambry internal data). Alterations that disrupt the canonical splice site are expected to cause aberrant splicing, resulting in an abnormal protein or a transcript that is subject to nonsense-mediated mRNA decay. As such, this alteration is classified as likely pathogenic.

Revvity Omics, Revvity
Classification: Likely pathogenic. Last evaluated: 2024-12-26. Review status: criteria provided, single submitter. Criteria: ACMG Guidelines, 2015. Collection method: clinical testing. Allele origin: germline.

Labcorp Genetics (formerly Invitae), Labcorp
Classification: Likely pathogenic for Familial cancer of breast. Last evaluated: 2024-11-26. Review status: criteria provided, single submitter. Criteria: Invitae Variant Classification Sherloc (09022015). Collection method: clinical testing. Allele origin: germline.
Comment: This sequence change affects an acceptor splice site in intron 2 of the CHEK2 gene. It is expected to disrupt RNA splicing. Variants that disrupt the donor or acceptor splice site typically lead to a loss of protein function (PMID: 16199547), and loss-of-function variants in CHEK2 are known to be pathogenic (PMID: 21876083, 24713400). This variant is not present in population databases (gnomAD no frequency). Disruption of this splice site has been observed in individual(s) with CHEK2-related cancers (PMID: 32805687, 32885271). ClinVar contains an entry for this variant (Variation ID: 631377). Algorithms developed to predict the effect of sequence changes on RNA splicing suggest that this variant may disrupt the consensus splice site. In summary, the currently available evidence indicates that the variant is pathogenic, but additional data are needed to prove that conclusively. Therefore, this variant has been classified as Likely Pathogenic.

Women's Health and Genetics/Laboratory Corporation of America, LabCorp
Classification: Likely pathogenic for Hereditary breast ovarian cancer syndrome. Last evaluated: 2023-11-17. Review status: criteria provided, single submitter. Criteria: LabCorp Variant Classification Summary - May 2015. Collection method: clinical testing. Allele origin: germline.
Comment: Variant summary: CHEK2 c.320-1G>T is located in a canonical splice-site and is predicted to affect mRNA splicing resulting in a significantly altered protein due to either exon skipping, shortening, or inclusion of intronic material. Several computational tools predict a significant impact on normal splicing: Four predict the variant abolishes the canonical 3' splicing acceptor site. However, these predictions have yet to be confirmed by functional studies. The variant was absent in 250870 control chromosomes. c.320-1G>T has been reported in the literature in individuals affected and/or undergoing multigene panel testing for hereditary cancer(s) (example, Sutcliffe_2020, Lerner-Ellis_2021). These data indicate that the variant may be associated with disease. To our knowledge, no experimental evidence demonstrating an impact on protein function has been reported. The following publications have been ascertained in the context of this evaluation (PMID: 32885271, 32805687). Four submitters have cited clinical-significance assessments for this variant to ClinVar after 2014. All submitters classified the variant as likely pathogenic. Based on the evidence outlined above, the variant was classified as likely pathogenic.

Myriad Genetics, Inc.
Classification: Likely pathogenic for Familial cancer of breast. Last evaluated: 2023-06-23. Review status: criteria provided, single submitter. Criteria: Myriad Autosomal Dominant, Autosomal Recessive and X-Linked Classification Criteria (2023). Collection method: clinical testing. Allele origin: unknown.
Comment: This variant is considered likely pathogenic. This variant occurs within a consensus splice junction and is predicted to result in abnormal mRNA splicing of either an out-of-frame exon or an in-frame exon necessary for protein stability and/or normal function.

Baylor Genetics
Classification: Pathogenic for Familial cancer of breast. Last evaluated: 2023-04-11. Review status: criteria provided, single submitter. Criteria: ACMG Guidelines, 2015. Collection method: clinical testing. Allele origin: unknown.

Color Diagnostics, LLC DBA Color Health
Classification: Likely pathogenic for Hereditary cancer-predisposing syndrome. Last evaluated: 2018-09-02. Review status: criteria provided, single submitter. Criteria: ACMG Guidelines, 2015. Collection method: clinical testing. Allele origin: germline.

Department of Pathology and Laboratory Medicine, Sinai Health System
Classification: Likely pathogenic for Malignant tumor of breast. Review status: no assertion criteria provided. Collection method: clinical testing. Allele origin: unknown. Affected: yes. Study: The Canadian Open Genetics Repository (COGR). Not counted in ClinVar's aggregate classification.
Comment: The CHEK2 c.320-1G>T variant was not identified in the literature nor was it identified in the dbSNP, Exome Aggregation Consortium (August 8th 2016), or the Genome Aggregation Database (Feb 27, 2017). The variant was identified in ClinVar (interpreted as "likely pathogenic" by Color). The c.320-1G>T variant is predicted to cause abnormal splicing because the nucleotide substitution occurs in the invariant region of the splice consensus sequence. 4 out of 4 in silico or computational prediction software programs (SpliceSiteFinder, MaxEntScan, NNSPLICE, GeneSplicer) predicted a greater than 10% difference in splicing. In summary, based on the above information the clinical significance of this variant cannot be determined with certainty at this time although we would lean towards a more pathogenic role for this variant. This variant is classified as likely pathogenic.

Literature cited by the submitters: PubMed 32805687 (cited by 3 submitters); PubMed 32885271 (cited by 3 submitters); PubMed 16199547 (cited by Labcorp Genetics (formerly Invitae), Labcorp); PubMed 21876083 (cited by Labcorp Genetics (formerly Invitae), Labcorp); PubMed 24713400 (cited by Labcorp Genetics (formerly Invitae), Labcorp).